The following is an entry in ClinVar:

ClinVar aggregate classification (germline): Uncertain significance (1 of 4 stars; one submission).

gnomAD v4.1: 2 of 1,565,782 alleles (0.00013%); highest among the groups gnomAD compares: Middle Eastern, 0.017%; no homozygotes.

Submission:

GeneDx
Classification: Uncertain significance. Last evaluated: 2026-08-17. Review status: criteria provided, single submitter. Criteria: GeneDx Variant Classification Process June 2021. Collection method: clinical testing. Allele origin: germline.
Comment: Not observed at significant frequency in large population cohorts (gnomAD); In silico analysis suggests that this missense variant does not alter protein structure/function; Has not been previously published as pathogenic or benign to our knowledge

NM_001010867.4(IBA57):c.613C>T (p.Pro205Ser)

Gene: IBA57 (iron-sulfur cluster assembly factor IBA57; plus strand). Cytogenetic location: 1q42.13.
Variant type: single nucleotide variant.
Coding change: c.613C>T on transcript NM_001010867.4 (MANE Select); coding-DNA position 613, C replaced by T.
Protein change: p.Pro205Ser; replaces proline 205 with serine.
Molecular consequence: missense variant.
Genome position (GRCh38, 1-based): chr1:228,174,963, C>T. VCF-style: chr1-228174963-C-T. GRCh37 (hg19) VCF-style: chr1-228362664-C-T.
Other names: c.34C>T, p.Pro12Ser (NM_001310327.2); short protein forms P12S, P205S.
Identifiers: ClinVar variation 3373061 (VCV003373061.3).